The following is an entry in ClinVar:

ClinVar aggregate classification (germline): Benign. Review status: criteria provided, multiple submitters, no conflicts (2 of 4 stars). 4 submissions from 4 submitters: Benign (4). Last evaluated 2026-02-01.

Conditions:
Vitreoretinopathy. Also called: Vitreoretinal degeneration. Identifiers: MedGen C0344290, MONDO:0020248, HP:0007773.

Allele frequency attached by ClinVar (database versions not stated): 1000 Genomes Project 0.05152; TOPMed 0.05318; ESP Exome Variant Server 0.05328; gnomAD exomes 0.01279; ExAC 0.01565; gnomAD 0.04714 and 0.05068; 1000 Genomes Project 30x 0.05137.
gnomAD v4.1: 14,433 of 1,610,478 alleles (0.9%); highest among the groups gnomAD compares: African/African-American, 17%; 1,147 homozygotes.

Submissions (4):

Labcorp Genetics (formerly Invitae), Labcorp
Classification: Benign. Last evaluated: 2026-02-01. Review status: criteria provided, single submitter. Criteria: Invitae Variant Classification Sherloc (09022015). Collection method: clinical testing. Allele origin: germline.

GeneDx
Classification: Benign. Last evaluated: 2021-05-05. Review status: criteria provided, single submitter. Criteria: GeneDx Variant Classification Process June 2021. Collection method: clinical testing. Allele origin: germline. Affected: yes.

Illumina Laboratory Services, Illumina
Classification: Benign for Vitreoretinopathy. Last evaluated: 2018-01-13. Review status: criteria provided, single submitter. Criteria: ICSL Variant Classification Criteria 13 December 2019. Collection method: clinical testing. Allele origin: germline.
Comment: This variant was observed in the ICSL laboratory as part of a predisposition screen in an ostensibly healthy population. It had not been previously curated by ICSL or reported in the Human Gene Mutation Database (HGMD: prior to June 1st, 2018), and was therefore a candidate for classification through an automated scoring system. Utilizing variant allele frequency, disease prevalence and penetrance estimates, and inheritance mode, an automated score was calculated to assess if this variant is too frequent to cause the disease. Based on the score and internal cut-off values, a variant classified as benign is not then subjected to further curation. The score for this variant resulted in a classification of benign for this disease.

PreventionGenetics, part of Exact Sciences
Classification: Benign. Review status: criteria provided, single submitter. Criteria: ACMG Guidelines, 2015. Collection method: clinical testing. Allele origin: germline.

NM_004385.5(VCAN):c.9033C>A (p.Asn3011Lys)

Genes: VCAN (versican; plus strand), VCAN-AS1 (VCAN antisense RNA 1; minus strand). Cytogenetic location: 5q14.3.
Variant type: single nucleotide variant.
Coding change: c.9033C>A on transcript NM_004385.5 (MANE Select); coding-DNA position 9033, C replaced by A.
Protein change: p.Asn3011Lys; replaces asparagine 3011 with lysine.
Molecular consequence: missense variant. On other transcripts: intron variant (2).
Genome position (GRCh38, 1-based): chr5:83,542,036, C>A. VCF-style: chr5-83542036-C-A. GRCh37 (hg19) VCF-style: chr5-82837855-C-A.
Other names: c.6072C>A, p.Asn2024Lys (NM_001164097.2); c.4004-3501C>A (NM_001164098.2); c.1043-3501C>A (NM_001126336.3); short protein forms N3011K, N2024K.
Identifiers: ClinVar variation 259374 (VCV000259374.16), dbSNP rs16900532, ClinGen allele CA3333897.